The following is an entry in ClinVar:

NM_014915.3(ANKRD26):c.1495A>G (p.Thr499Ala)

Gene: ANKRD26 (ankyrin repeat domain 26; minus strand). Cytogenetic location: 10p12.1.
Variant type: single nucleotide variant.
Coding change: c.1495A>G on transcript NM_014915.3 (MANE Select); coding-DNA position 1495, A replaced by G.
Protein change: p.Thr499Ala; replaces threonine 499 with alanine.
Molecular consequence: missense variant.
Genome position (GRCh38, 1-based): chr10:27,060,414, T>C on the plus strand (A>G on the coding strand, the complement: ANKRD26 is on the minus strand). VCF-style: chr10-27060414-T-C. GRCh37 (hg19) VCF-style: chr10-27349343-T-C.
Other names: c.1495A>G, p.Thr499Ala (NM_001256053.2); short protein forms T499A.
Identifiers: ClinVar variation 2577907 (VCV002577907.3), dbSNP rs370398342, ClinGen allele CA204420844.

ClinVar aggregate classification (germline): Conflicting classifications of pathogenicity. Review status: criteria provided, conflicting classifications (1 of 4 stars). 3 submissions from 3 submitters: Uncertain significance (2); Likely benign (1). Last evaluated 2024-12-29.

Conditions:
Inborn genetic diseases. Identifiers: MedGen C0950123, MeSH D030342.
Thrombocytopenia 2 (THC2). Also called: ANKRD26-Related Thrombocytopenia. Identifiers: Orphanet 268322, MedGen C1861185, MONDO:0008555, OMIM 188000.

Allele frequency attached by ClinVar (database versions not stated): gnomAD exomes 0.00001; TOPMed 0.00001; ESP Exome Variant Server 0.00009.
gnomAD v4.1: 10 of 1,611,830 alleles (0.00062%); highest among the groups gnomAD compares: Non-Finnish European, 0.00085%; no homozygotes.

Submissions (3):

Ambry Genetics
Classification: Likely benign for Inborn genetic diseases. Last evaluated: 2024-12-29. Review status: criteria provided, single submitter. Criteria: Ambry Variant Classification Scheme 2023. Collection method: clinical testing. Allele origin: germline.

GeneDx
Classification: Uncertain significance. Last evaluated: 2024-01-19. Review status: criteria provided, single submitter. Criteria: GeneDx Variant Classification Process June 2021. Collection method: clinical testing. Allele origin: germline. Affected: yes.
Comment: Not observed at significant frequency in large population cohorts (gnomAD); In silico analysis supports that this missense variant does not alter protein structure/function; Has not been previously published as pathogenic or benign to our knowledge

St. Jude Molecular Pathology, St. Jude Children's Research Hospital
Classification: Uncertain significance for Thrombocytopenia 2. Last evaluated: 2023-07-18. Review status: criteria provided, single submitter. Criteria: St. Jude Assertion Criteria 2020. Collection method: clinical testing. Allele origin: germline.
Comment: The ANKRD26 c.1495A>G (p.Thr499Ala) missense change is absent in gnomAD v2.1.1. This variant is not located in the 5’ UTR. The in silico tool REVEL predicts a benign effect on protein function, but to our knowledge this prediction has not been confirmed by functional studies. To our knowledge, this variant has not been reported in individuals with thrombocytopenia and/or myeloid malignancies. In summary, the evidence currently available is insufficient to determine the clinical significance of this variant. It has therefore been classified as of uncertain significance.